The following is an entry in ClinVar:

NM_017807.4(OSGEP):c.823A>G (p.Thr275Ala)

Gene: OSGEP (O-sialoglycoprotein endopeptidase; minus strand). Cytogenetic location: 14q11.2.
Variant type: single nucleotide variant.
Coding change: c.823A>G on transcript NM_017807.4 (MANE Select); coding-DNA position 823, A replaced by G.
Protein change: p.Thr275Ala; replaces threonine 275 with alanine.
Molecular consequence: missense variant.
Genome position (GRCh38, 1-based): chr14:20,447,661, T>C on the plus strand (A>G on the coding strand, the complement: OSGEP is on the minus strand). VCF-style: chr14-20447661-T-C. GRCh37 (hg19) VCF-style: chr14-20915820-T-C.
Other names: short protein forms T275A.
Identifiers: ClinVar variation 1948135 (VCV001948135.5), dbSNP rs1880982832, ClinGen allele CA389117206.

ClinVar aggregate classification (germline): Uncertain significance (1 of 4 stars; one submission).

Allele frequency attached by ClinVar (database versions not stated): TOPMed below 0.00001.
gnomAD v4.1: 5 of 1,614,058 alleles (0.00031%); highest among the groups gnomAD compares: African/African-American, 0.0013%; no homozygotes.

Submission:

Labcorp Genetics (formerly Invitae), Labcorp
Classification: Uncertain significance. Last evaluated: 2022-06-27. Review status: criteria provided, single submitter. Criteria: Invitae Variant Classification Sherloc (09022015). Collection method: clinical testing. Allele origin: germline.
Comment: In summary, the available evidence is currently insufficient to determine the role of this variant in disease. Therefore, it has been classified as a Variant of Uncertain Significance. This sequence change replaces threonine, which is neutral and polar, with alanine, which is neutral and non-polar, at codon 275 of the OSGEP protein (p.Thr275Ala). This variant is not present in population databases (gnomAD no frequency). This variant has not been reported in the literature in individuals affected with OSGEP-related conditions. Algorithms developed to predict the effect of missense changes on protein structure and function output the following: SIFT: "Tolerated"; PolyPhen-2: "Benign"; Align-GVGD: "Class C0". The alanine amino acid residue is found in multiple mammalian species, which suggests that this missense change does not adversely affect protein function.